The following is an entry in ClinVar:

ClinVar aggregate classification (germline): Likely benign (1 of 4 stars; one submission).

Conditions:
POMGNT1-related disorder. Also called: POMGNT1-related condition; POMGNT1-related disorders. Identifiers: MedGen CN239299.

Submission:

PreventionGenetics, part of Exact Sciences
Classification: Likely benign for POMGNT1-related condition. Last evaluated: 2026-08-19. Review status: criteria provided, single submitter. Criteria: ACMG Guidelines, 2015. Collection method: clinical testing. Allele origin: germline.
Comment: This variant is classified as likely benign based on ACMG/AMP sequence variant interpretation guidelines (Richards et al. 2015 PMID: 25741868, with internal and published modifications).

NM_001243766.2(POMGNT1):c.-50-671A>T

Genes: POMGNT1 (protein O-linked mannose N-acetylglucosaminyltransferase 1 (beta 1,2-); minus strand), LOC129930471 (ATAC-STARR-seq lymphoblastoid silent region 837; plus strand). Cytogenetic location: 1p34.1.
Variant type: single nucleotide variant.
Coding change: c.-50-671A>T on transcript NM_001243766.2; 671 bases into the intron before 50 bases upstream of the start codon, A replaced by T.
Molecular consequence: intron variant.
Genome position (GRCh38, 1-based): chr1:46,198,542, T>A on the plus strand (A>T on the coding strand, the complement: POMGNT1 is on the minus strand). VCF-style: chr1-46198542-T-A. GRCh37 (hg19) VCF-style: chr1-46664214-T-A.
Identifiers: ClinVar variation 4990556 (VCV004990556.1).